The following is an entry in ClinVar:

NM_000198.4(HSD3B2):c.222C>T (p.Asp74=)

Gene: HSD3B2 (hydroxy-delta-5-steroid dehydrogenase, 3 beta- and steroid delta-isomerase 2; plus strand). Cytogenetic location: 1p12.
Variant type: single nucleotide variant.
Coding change: c.222C>T on transcript NM_000198.4 (MANE Select); coding-DNA position 222, C replaced by T.
Protein change: p.Asp74=; no amino-acid change (aspartic acid 74 retained).
Molecular consequence: synonymous variant.
Genome position (GRCh38, 1-based): chr1:119,419,497, C>T. VCF-style: chr1-119419497-C-T. GRCh37 (hg19) VCF-style: chr1-119962120-C-T.
Other names: c.222C>T, p.Asp74= (NM_001166120.2).
Identifiers: ClinVar variation 292256 (VCV000292256.29), dbSNP rs150892928, ClinGen allele CA1035920.
Genomic context (GRCh38, chr1:119,419,497, plus strand): 5'-GCTGACTGTACTTGAAGGAGACATTCTGGATGAGCCATTCCTGAAAAGAGCCTGCCAGGA[C>T]GTCTCGGTCGTCATCCACACCGCCTGTATCATTGATGTCTTTGGTGTCACTCACAGAGAG-3'
Protein context (NP_000189.1, residues 64-84): DEPFLKRACQ[Asp74=]VSVVIHTACI

ClinVar aggregate classification (germline): Conflicting classifications of pathogenicity. Review status: criteria provided, conflicting classifications (1 of 4 stars). 8 submissions from 8 submitters: Uncertain significance (2); Likely benign (5). 1 of the submissions does not count toward it. Last evaluated 2026-01-31.

Conditions:
HSD3B2-related disorder. Also called: HSD3B2-related condition.
Inborn genetic diseases. Identifiers: MedGen C0950123, MeSH D030342.
3 beta-Hydroxysteroid dehydrogenase deficiency. Also called: 3-BETA-HSD DEFICIENCY; ADRENAL HYPERPLASIA II; 3b-hydroxysteroid dehydrogenase deficiency; ADRENAL HYPERPLASIA, CONGENITAL, DUE TO 3-BETA-HYDROXYSTEROID DEHYDROGENASE 2 DEFICIENCY; Congenital adrenal hyperplasia due to 3-beta-hydroxysteroid dehydrogenase deficiency. Identifiers: Orphanet 90791, MedGen C0342471, MeSH C538236, MONDO:0008727, OMIM 201810. Disease mechanism: loss of function.

Allele frequency attached by ClinVar (database versions not stated): ExAC 0.00028; gnomAD exomes 0.00028 and 0.00055; gnomAD 0.00032 and 0.00035; TOPMed 0.00038; ESP Exome Variant Server 0.00046.
gnomAD v4.1: 837 of 1,613,532 alleles (0.052%); highest among the groups gnomAD compares: Non-Finnish European, 0.066%; no homozygotes.

Submissions (8):

Labcorp Genetics (formerly Invitae), Labcorp
Classification: Likely benign. Last evaluated: 2026-01-31. Review status: criteria provided, single submitter. Criteria: Invitae Variant Classification Sherloc (09022015). Collection method: clinical testing. Allele origin: germline.

CeGaT Center for Human Genetics Tuebingen
Classification: Likely benign. Last evaluated: 2025-12-01. Review status: criteria provided, single submitter. Criteria: CeGaT Center For Human Genetics Tuebingen Variant Classification Criteria Version 2. Collection method: clinical testing. Allele origin: germline. Affected: yes. Observed: 1 variant allele.
Comment: HSD3B2: BP4, BP7

PreventionGenetics, part of Exact Sciences
Classification: Likely benign for HSD3B2-related condition. Last evaluated: 2025-05-19. Review status: criteria provided, single submitter. Criteria: ACMG Guidelines, 2015. Collection method: clinical testing. Allele origin: germline.
Comment: This variant is classified as likely benign based on ACMG/AMP sequence variant interpretation guidelines (Richards et al. 2015 PMID: 25741868, with internal and published modifications).

Ambry Genetics
Classification: Likely benign for Inborn genetic diseases. Last evaluated: 2024-12-16. Review status: criteria provided, single submitter. Criteria: Ambry Variant Classification Scheme 2023. Collection method: clinical testing. Allele origin: germline.

Genome-Nilou Lab
Classification: Uncertain significance for 3 beta-Hydroxysteroid dehydrogenase deficiency. Last evaluated: 2021-07-14. Review status: criteria provided, single submitter. Criteria: ACMG Guidelines, 2015. Collection method: clinical testing. Allele origin: germline. Affected: no.

GeneDx
Classification: Likely benign. Last evaluated: 2019-05-06. Review status: criteria provided, single submitter. Criteria: GeneDx Variant Classification Process June 2021. Collection method: clinical testing. Allele origin: germline. Affected: yes.

Illumina Laboratory Services, Illumina
Classification: Uncertain significance for 3 beta-Hydroxysteroid dehydrogenase deficiency. Last evaluated: 2018-01-12. Review status: criteria provided, single submitter. Criteria: ICSL Variant Classification Criteria 13 December 2019. Collection method: clinical testing. Allele origin: germline.

Natera, Inc.
Classification: Likely benign for 3 beta hydroxysteroid dehydrogenase deficiency. Last evaluated: 2020-09-16. Review status: no assertion criteria provided. Collection method: clinical testing. Allele origin: germline. Not counted in ClinVar's aggregate classification.